The following is an entry in ClinVar:

NM_013254.4(TBK1):c.1586G>A (p.Gly529Asp)

Gene: TBK1 (TANK binding kinase 1; plus strand). Cytogenetic location: 12q14.2.
Variant type: single nucleotide variant.
Coding change: c.1586G>A on transcript NM_013254.4 (MANE Select); coding-DNA position 1586, G replaced by A.
Protein change: p.Gly529Asp; replaces glycine 529 with aspartic acid.
Molecular consequence: missense variant.
Genome position (GRCh38, 1-based): chr12:64,495,547, G>A. VCF-style: chr12-64495547-G-A. GRCh37 (hg19) VCF-style: chr12-64889327-G-A.
Other names: short protein forms G529D.
Identifiers: ClinVar variation 3349049 (VCV003349049.1).

ClinVar aggregate classification (germline): Uncertain significance (0 of 4 stars; one submission).

Conditions:
TBK1-related disorder. Also called: TBK1-related condition.

gnomAD v4.1: 1 of 1,614,066 alleles (0.000062%); highest among the groups gnomAD compares: Non-Finnish European, 0.000085%; no homozygotes.

Submission:

PreventionGenetics, part of Exact Sciences
Classification: Uncertain significance for TBK1-related condition. Last evaluated: 2023-12-19. Review status: no assertion criteria provided. Collection method: clinical testing. Allele origin: germline.
Comment: The TBK1 c.1586G>A variant is predicted to result in the amino acid substitution p.Gly529Asp. To our knowledge, this variant has not been reported in the literature or in a large population database, indicating this variant is rare. At this time, the clinical significance of this variant is uncertain due to the absence of conclusive functional and genetic evidence.